The following is an entry in ClinVar:

ClinVar aggregate classification (germline): Pathogenic (1 of 4 stars; one submission).

gnomAD v4.1: 1 of 1,614,204 alleles (0.000062%); highest among the groups gnomAD compares: East Asian, 0.0022%; no homozygotes.

Submission:

Labcorp Genetics (formerly Invitae), Labcorp
Classification: Pathogenic. Last evaluated: 2024-02-25. Review status: criteria provided, single submitter. Criteria: Invitae Variant Classification Sherloc (09022015). Collection method: clinical testing. Allele origin: germline.
Comment: This sequence change replaces leucine, which is neutral and non-polar, with arginine, which is basic and polar, at codon 2058 of the ABCA4 protein (p.Leu2058Arg). This variant is not present in population databases (gnomAD no frequency). This missense change has been observed in individual(s) with Stargardt disease (PMID: 26161775). Advanced modeling of protein sequence and biophysical properties (such as structural, functional, and spatial information, amino acid conservation, physicochemical variation, residue mobility, and thermodynamic stability) performed at Invitae indicates that this missense variant is expected to disrupt ABCA4 protein function with a positive predictive value of 95%. For these reasons, this variant has been classified as Pathogenic.

Literature cited by the submitters: PubMed 26161775.

NM_000350.3(ABCA4):c.6173T>G (p.Leu2058Arg)

Gene: ABCA4 (ATP binding cassette subfamily A member 4; minus strand). Cytogenetic location: 1p22.1.
Variant type: single nucleotide variant.
Coding change: c.6173T>G on transcript NM_000350.3 (MANE Select); coding-DNA position 6173, T replaced by G.
Protein change: p.Leu2058Arg; replaces leucine 2058 with arginine.
Molecular consequence: missense variant.
Genome position (GRCh38, 1-based): chr1:94,001,967, A>C on the plus strand (T>G on the coding strand, the complement: ABCA4 is on the minus strand). VCF-style: chr1-94001967-A-C. GRCh37 (hg19) VCF-style: chr1-94467523-A-C.
Other names: c.5951T>G, p.Leu1984Arg (NM_001425324.1); short protein forms L1984R, L2058R.
Identifiers: ClinVar variation 3720216 (VCV003720216.2).